The following is an entry in ClinVar:

ClinVar aggregate classification (germline): Uncertain significance (1 of 4 stars; one submission).

Conditions:
C3 glomerulonephritis. Also called: C3 GLOMERULOPATHY 3; Nephropathy due to CFHR5 Deficiency. Identifiers: Orphanet 329931, MedGen C4055342, MONDO:0013892, OMIM 614809.

Submission:

Genomenon, Inc
Classification: Uncertain significance for C3 glomerulonephritis. Last evaluated: 2025-09-30. Review status: criteria provided, single submitter. Criteria: Genomenon Sequence Variant Interpretation Standards. Collection method: curation. Allele origin: germline. Affected: yes.
Comment: C3 p.Gly321Glu (c.962G>A) is a missense variant that changes the amino acid at residue 321 from Glycine to Glutamic acid. This variant has been observed in at least one proband affected with C3 glomerulonephritis (PMID:29670616). It is absent or not present at a significant frequency in gnomAD. In silico models agree that this variant is not damaging. In conclusion, we classify C3 p.Gly321Glu (c.962G>A) as a variant of unknown significance.

Literature cited by the submitters: PubMed 29670616.

NM_000064.4(C3):c.962G>A (p.Gly321Glu)

Gene: C3 (complement C3; minus strand). Cytogenetic location: 19p13.3.
Variant type: single nucleotide variant.
Coding change: c.962G>A on transcript NM_000064.4 (MANE Select); coding-DNA position 962, G replaced by A.
Protein change: p.Gly321Glu; replaces glycine 321 with glutamic acid.
Molecular consequence: missense variant.
Genome position (GRCh38, 1-based): chr19:6,713,230, C>T on the plus strand (G>A on the coding strand, the complement: C3 is on the minus strand). VCF-style: chr19-6713230-C-T. GRCh37 (hg19) VCF-style: chr19-6713241-C-T.
Other names: short protein forms G321E.
Identifiers: ClinVar variation 4280279 (VCV004280279.1).